The following is an entry in ClinVar:

NM_000096.4(CP):c.2024del (p.Ala675fs)

Gene: CP (ceruloplasmin; minus strand). Cytogenetic location: 3q24.
Variant type: Deletion.
Coding change: c.2024del on transcript NM_000096.4 (MANE Select); coding-DNA position 2024, one base deleted (C; older notation c.2024delC).
Protein change: p.Ala675fs; shifts the reading frame from alanine 675.
Molecular consequence: frameshift variant.
Genome position (GRCh38, 1-based): chr3:149,186,573, G deleted on the plus strand (C on the coding strand, the reverse complement: CP is on the minus strand). VCF-style (leftmost placement, unchanged base first): chr3-149186572-TG-T. GRCh37 (hg19) VCF-style: chr3-148904359-TG-T.
Other names: short protein forms A675fs.
Identifiers: ClinVar variation 4722684 (VCV004722684.1).

ClinVar aggregate classification (germline): Pathogenic (1 of 4 stars; one submission).

Conditions:
Deficiency of ferroxidase (ACEP). Also called: Ceruloplasmin deficiency; Familial apoceruloplasmin deficiency; Hereditary ceruloplasmin deficiency; Deficiency of ceruloplasmin; NEURODEGENERATION WITH BRAIN IRON ACCUMULATION 10; Aceruloplasminemia. Identifiers: Orphanet 48818, MedGen C0878682, MONDO:0011426, OMIM 604290, HP:0025498.

Submission:

Labcorp Genetics (formerly Invitae), Labcorp
Classification: Pathogenic for Deficiency of ferroxidase. Last evaluated: 2025-11-19. Review status: criteria provided, single submitter. Criteria: Invitae Variant Classification Sherloc (09022015). Collection method: clinical testing. Allele origin: germline.
Comment: This sequence change creates a premature translational stop signal (p.Ala675Glufs*35) in the CP gene. It is expected to result in an absent or disrupted protein product. Loss-of-function variants in CP are known to be pathogenic (PMID: 16629161). This variant is not present in population databases (gnomAD no frequency). This variant has not been reported in the literature in individuals affected with CP-related conditions. For these reasons, this variant has been classified as Pathogenic.

Literature cited by the submitters: PubMed 16629161.